The following is an entry in ClinVar:

GRCh37/hg19 11p13(chr11:31504814-31901663)x1

Genes: ELP4 (elongator acetyltransferase complex subunit 4; plus strand), IMMP1L (inner mitochondrial membrane peptidase subunit 1; minus strand), PAX6 (paired box 6; minus strand). Cytogenetic location: 11p13.
Variant type: copy number loss.
Change: copy number 1 (one copy instead of two) of chr11:31,504,814-31,901,663 (396.9 kb, GRCh37 coordinates, 1-based), cytogenetic band 11p13.
Identifiers: ClinVar variation 3391912 (VCV003391912.1).

ClinVar aggregate classification (germline): Pathogenic (1 of 4 stars; one submission).

Submission:

Quest Diagnostics Nichols Institute San Juan Capistrano
Classification: Pathogenic. Last evaluated: 2024-06-21. Review status: criteria provided, single submitter. Criteria: ACMG/ClinGen CNV Guidelines, 2019. Collection method: clinical testing. Allele origin: unknown.
Comment: This deletion fully contains the PAX6 gene (OMIM 607108). Haploinsufficiency of PAX6 is associated with isolated aniridia (OMIM 106210; HGNC:8620; Lima Cunha et al., Genes (Basel). 2019 Dec 17;10(12):1050. PMID: 31861090). Thus, this copy number variant (CNV) is classified as pathogenic.